The following is an entry in ClinVar:

NM_001014.5(RPS10):c.481G>T (p.Gly161Cys)

Genes: RPS10 (ribosomal protein S10; minus strand), RPS10-NUDT3 (RPS10-NUDT3 readthrough; minus strand). Cytogenetic location: 6p21.31.
Variant type: single nucleotide variant.
Coding change: c.481G>T on transcript NM_001014.5 (MANE Select); coding-DNA position 481, G replaced by T.
Protein change: p.Gly161Cys; replaces glycine 161 with cysteine.
Molecular consequence: missense variant. On other transcripts: intron variant (1).
Genome position (GRCh38, 1-based): chr6:34,417,523, C>A on the plus strand (G>T on the coding strand, the complement: RPS10 is on the minus strand). VCF-style: chr6-34417523-C-A. GRCh37 (hg19) VCF-style: chr6-34385300-C-A.
Other names: c.481G>T, p.Gly161Cys (NM_001203245.3, NM_001204091.2); c.456+846G>T (NM_001202470.3); short protein forms G161C.
Identifiers: ClinVar variation 2699015 (VCV002699015.4), dbSNP rs1354469695, ClinGen allele CA363885541.
Genomic context (GRCh38, chr6:34,417,523, plus strand): 5'-TTTGGCTGTAAGTTTATTCAATGCAAAAGAATCCTCTCCAATTTTACTGAGGTGGCTGAC[C>A]ACGTCCACGACCAAATCCGCCTCTCTGTAAGAGAAAGCACATCACATCAGCATGAGCGGC-3'
Protein context (NP_001005.1, residues 151-165): QFRGGFGRGR[Gly161Cys]QPPQ

ClinVar aggregate classification (germline): Uncertain significance. Review status: criteria provided, multiple submitters, no conflicts (2 of 4 stars). 2 submissions from 2 submitters: Uncertain significance (2). Last evaluated 2024-05-29.

Conditions:
Diamond-Blackfan anemia. Also called: Blackfan Diamond syndrome; Aregenerative anemia chronic congenital; Red cell aplasia, pure hereditary; Congenital hypoplastic anemia; Aase syndrome. Identifiers: Orphanet 124, MedGen C1260899, MeSH D029503, MONDO:0015253, HP:0004810.
Diamond-Blackfan anemia 9 (DBA9). Also called: RPS10-Related Diamond-Blackfan Anemia. Identifiers: Orphanet 124, MedGen C2750081, MONDO:0013216, OMIM 613308.

Allele frequency attached by ClinVar (database versions not stated): TOPMed below 0.00001; gnomAD 0.00001.
gnomAD v4.1: 1 of 1,612,732 alleles (0.000062%); highest among the groups gnomAD compares: East Asian, 0.0022%; no homozygotes.

Submissions (2):

Fulgent Genetics
Classification: Uncertain significance for Diamond-Blackfan anemia 9. Last evaluated: 2024-05-29. Review status: criteria provided, single submitter. Criteria: ACMG Guidelines, 2015. Collection method: clinical testing. Allele origin: germline.

Labcorp Genetics (formerly Invitae), Labcorp
Classification: Uncertain significance for Diamond-Blackfan anemia. Last evaluated: 2024-04-09. Review status: criteria provided, single submitter. Criteria: Invitae Variant Classification Sherloc (09022015). Collection method: clinical testing. Allele origin: germline.
Comment: This sequence change replaces glycine, which is neutral and non-polar, with cysteine, which is neutral and slightly polar, at codon 161 of the RPS10 protein (p.Gly161Cys). This variant is not present in population databases (gnomAD no frequency). This variant has not been reported in the literature in individuals affected with RPS10-related conditions. Experimental studies and prediction algorithms are not available or were not evaluated, and the functional significance of this variant is currently unknown. In summary, the available evidence is currently insufficient to determine the role of this variant in disease. Therefore, it has been classified as a Variant of Uncertain Significance.